The following is an entry in ClinVar:

NM_000391.4(TPP1):c.901C>T (p.Gln301Ter)

Gene: TPP1 (tripeptidyl peptidase 1; minus strand). Cytogenetic location: 11p15.4.
Variant type: single nucleotide variant.
Coding change: c.901C>T on transcript NM_000391.4 (MANE Select); coding-DNA position 901, C replaced by T.
Protein change: p.Gln301Ter; replaces glutamine 301 with a stop codon.
Molecular consequence: nonsense.
Genome position (GRCh38, 1-based): chr11:6,616,489, G>A on the plus strand (C>T on the coding strand, the complement: TPP1 is on the minus strand). VCF-style: chr11-6616489-G-A. GRCh37 (hg19) VCF-style: chr11-6637720-G-A.
Other names: short protein forms Q301*.
Identifiers: ClinVar variation 3686704 (VCV003686704.2).

ClinVar aggregate classification (germline): Pathogenic (1 of 4 stars; one submission).

Submission:

Labcorp Genetics (formerly Invitae), Labcorp
Classification: Pathogenic. Last evaluated: 2024-04-24. Review status: criteria provided, single submitter. Criteria: Invitae Variant Classification Sherloc (09022015). Collection method: clinical testing. Allele origin: germline.
Comment: This sequence change creates a premature translational stop signal (p.Gln301*) in the TPP1 gene. It is expected to result in an absent or disrupted protein product. Loss-of-function variants in TPP1 are known to be pathogenic (PMID: 10330339). This variant is not present in population databases (gnomAD no frequency). This variant has not been reported in the literature in individuals affected with TPP1-related conditions. Algorithms developed to predict the effect of sequence changes on RNA splicing suggest that this variant may disrupt the consensus splice site. For these reasons, this variant has been classified as Pathogenic.

Literature cited by the submitters: PubMed 10330339.